The following is an entry in ClinVar:

NM_000038.6(APC):c.423-680G>A

Gene: APC (APC regulator of WNT signaling pathway; plus strand). Cytogenetic location: 5q22.2.
Variant type: single nucleotide variant.
Coding change: c.423-680G>A on transcript NM_000038.6 (MANE Select); 680 bases into the intron before coding-DNA position 423, G replaced by A.
Molecular consequence: intron variant.
Genome position (GRCh38, 1-based): chr5:112,774,949, G>A. VCF-style: chr5-112774949-G-A. GRCh37 (hg19) VCF-style: chr5-112110646-G-A.
Other names: c.423-680G>A (NM_001354895.2, NM_001127510.3, NM_001354896.2 and 2 more transcripts); c.453-680G>A (NM_001354897.2, NM_001354902.2, NM_001127511.3); c.348-680G>A (NM_001354898.2, NM_001354904.2); c.-613-680G>A (NM_001354906.2); c.246-680G>A (NM_001354900.2, NM_001354901.2, NM_001354905.2).
Identifiers: ClinVar variation 82906 (VCV000082906.2), dbSNP rs79045800, ClinGen allele CA009347.

ClinVar aggregate classification (germline): other (0 of 4 stars; one submission).

Conditions:
Familial colorectal cancer. Identifiers: MedGen CN280943, MONDO:0023113. Disease mechanism: loss of function.

Submission:

Systems Biology Platform Zhejiang California International NanoSystems Institute
Classification: other for Familial colorectal cancer. Review status: no assertion criteria provided. Collection method: not provided. Allele origin: unknown.
ClinVar note: Converted during submission from cancer to other.